The following is an entry in ClinVar:

ClinVar aggregate classification (germline): Benign/Likely benign. Review status: criteria provided, multiple submitters, no conflicts (2 of 4 stars). 3 submissions from 3 submitters: Benign (1); Likely benign (2). Last evaluated 2026-09-21.

Conditions:
FLRT3-related disorder. Also called: FLRT3-related condition.

Allele frequency attached by ClinVar (database versions not stated): gnomAD exomes 0.00014 and 0.00057; ESP Exome Variant Server 0.00015; gnomAD 0.00015 and 0.00016; TOPMed 0.00034; ExAC 0.00068.
gnomAD v4.1: 240 of 1,613,914 alleles (0.015%); highest among the groups gnomAD compares: Admixed American, 0.24%; 3 homozygotes.

Submissions (3):

PreventionGenetics, part of Exact Sciences
Classification: Likely benign for FLRT3-related condition. Last evaluated: 2026-09-21. Review status: criteria provided, single submitter. Criteria: ACMG Guidelines, 2015. Collection method: clinical testing. Allele origin: germline.
Comment: This variant is classified as likely benign based on ACMG/AMP sequence variant interpretation guidelines (Richards et al. 2015 PMID: 25741868, with internal and published modifications).

Labcorp Genetics (formerly Invitae), Labcorp
Classification: Benign. Last evaluated: 2025-11-18. Review status: criteria provided, single submitter. Criteria: Invitae Variant Classification Sherloc (09022015). Collection method: clinical testing. Allele origin: germline.

Women's Health and Genetics/Laboratory Corporation of America, LabCorp
Classification: Likely benign. Last evaluated: 2025-01-27. Review status: criteria provided, single submitter. Criteria: LabCorp Variant Classification Summary - May 2015. Collection method: clinical testing. Allele origin: germline.

NM_198391.3(FLRT3):c.1323T>C (p.Leu441=)

Genes: FLRT3 (fibronectin leucine rich transmembrane protein 3; minus strand), MACROD2 (mono-ADP ribosylhydrolase 2; plus strand). Cytogenetic location: 20p12.1.
Variant type: single nucleotide variant.
Coding change: c.1323T>C on transcript NM_198391.3 (MANE Select); coding-DNA position 1323, T replaced by C.
Protein change: p.Leu441=; no amino-acid change (leucine 441 retained).
Molecular consequence: synonymous variant. On other transcripts: intron variant (3).
Genome position (GRCh38, 1-based): chr20:14,326,184, A>G on the plus strand (T>C on the coding strand, the complement: FLRT3 is on the minus strand). VCF-style: chr20-14326184-A-G. GRCh37 (hg19) VCF-style: chr20-14306830-A-G.
Other names: c.1323T>C, p.Leu441= (NM_013281.4); c.272-167295A>G (NM_001351661.2, NM_001351663.2, NM_080676.6).
Identifiers: ClinVar variation 735414 (VCV000735414.11), dbSNP rs143784361, ClinGen allele CA9768919.